The following is an entry in ClinVar:

NM_020166.5(MCCC1):c.1096G>A (p.Glu366Lys)

Gene: MCCC1 (methylcrotonyl-CoA carboxylase subunit 1; minus strand). Cytogenetic location: 3q27.1.
Variant type: single nucleotide variant.
Coding change: c.1096G>A on transcript NM_020166.5 (MANE Select); coding-DNA position 1096, G replaced by A.
Protein change: p.Glu366Lys; replaces glutamic acid 366 with lysine.
Molecular consequence: missense variant. On other transcripts: non-coding transcript variant (2).
Genome position (GRCh38, 1-based): chr3:183,041,738, C>T on the plus strand (G>A on the coding strand, the complement: MCCC1 is on the minus strand). VCF-style: chr3-183041738-C-T. GRCh37 (hg19) VCF-style: chr3-182759526-C-T.
Other names: c.745G>A, p.Glu249Lys (NM_001293273.2); c.769G>A, p.Glu257Lys (NM_001363880.1); short protein forms E249K, E257K, E366K.
Identifiers: ClinVar variation 4816025 (VCV004816025.1).
Genomic context (GRCh38, chr3:183,041,738, plus strand): 5'-TTCTAGCTTCGAAGGCATGGCCCTGCAGAGTTATTTCTTCCTGGCTCAAAGGAATCTTCT[C>T]TCCTGCTGCAATCTGGCAATAGAATAGTGTTTCTTATGAAATCTACCGTATAGCGGCTAC-3'
Protein context (NP_064551.3, residues 356-376): VEWQLRIAAG[Glu366Lys]KIPLSQEEIT

ClinVar aggregate classification (germline): Likely pathogenic (1 of 4 stars; one submission).

Conditions:
3-methylcrotonyl-CoA carboxylase 1 deficiency (MCC1D). Also called: MCCD TYPE 1; METHYLCROTONYLGLYCINURIA TYPE I; MCC 1 deficiency; 3 Alpha methylcrotonylglycinuria 1. Identifiers: Orphanet 6, MedGen CN028786, MONDO:0008861, OMIM 210200.

gnomAD v4.1: 8 of 1,614,174 alleles (0.0005%); highest among the groups gnomAD compares: East Asian, 0.016%; no homozygotes.

Submission:

Natera, Inc.
Classification: Likely pathogenic for 3-methylcrotonyl-CoA carboxylase 1 deficiency. Last evaluated: 2025-08-13. Review status: criteria provided, single submitter. Criteria: Natera Variant Classification Schema (03/2026). Collection method: clinical testing. Allele origin: germline.
Comment: The c.1096G>A variant in MCCC1 is a missense variant predicted to cause substitution of glutamic acid to lysine at amino acid 366. This variant is rare in the general population with a frequency below the threshold expected for the associated phenotype(s). This variant has been observed in one or more individuals affected with the associated recessive disease, as either homozygous or compound heterozygous with a second variant (PMID: 36822454, 30904546). Given the available evidence, this variant is classified as Likely Pathogenic.

Literature cited by the submitters: PubMed 36822454; PubMed 30904546.